The following is an entry in ClinVar:

NM_001085487.3(MYSM1):c.920_921del (p.Lys307fs)

Gene: MYSM1 (Myb like, SWIRM and MPN domains 1; minus strand). Cytogenetic location: 1p32.1.
Variant type: Deletion.
Coding change: c.920_921del on transcript NM_001085487.3 (MANE Select); coding-DNA positions 920 to 921, 2 bases deleted (AA; older notation c.920_921delAA).
Protein change: p.Lys307fs; shifts the reading frame from lysine 307.
Molecular consequence: frameshift variant.
Genome position (GRCh38, 1-based): chr1:58,682,123-58,682,124, TT deleted on the plus strand (AA on the coding strand, the reverse complement: MYSM1 is on the minus strand); deleting any 2 consecutive bases within chr1:58,682,123-58,682,128 gives the same sequence; the c. name uses the placement nearest the transcript's 3' end. VCF-style (leftmost placement, unchanged base first): chr1-58682122-ATT-A. GRCh37 (hg19) VCF-style: chr1-59147794-ATT-A.
Other names: short protein forms K307fs.
Identifiers: ClinVar variation 3725901 (VCV003725901.2).

ClinVar aggregate classification (germline): Pathogenic (1 of 4 stars; one submission).

Submission:

Labcorp Genetics (formerly Invitae), Labcorp
Classification: Pathogenic. Last evaluated: 2024-11-23. Review status: criteria provided, single submitter. Criteria: Invitae Variant Classification Sherloc (09022015). Collection method: clinical testing. Allele origin: germline.
Comment: This sequence change creates a premature translational stop signal (p.Lys307Ilefs*3) in the MYSM1 gene. It is expected to result in an absent or disrupted protein product. Loss-of-function variants in MYSM1 are known to be pathogenic (PMID: 24288411, 28115216). This variant is not present in population databases (gnomAD no frequency). This variant has not been reported in the literature in individuals affected with MYSM1-related conditions. For these reasons, this variant has been classified as Pathogenic.

Literature cited by the submitters: PubMed 24288411; PubMed 28115216.